The following is an entry in ClinVar:

NM_024665.7(TBL1XR1):c.427+3G>T

Gene: TBL1XR1 (TBL1X/Y related 1; minus strand). Cytogenetic location: 3q26.32.
Variant type: single nucleotide variant.
Coding change: c.427+3G>T on transcript NM_024665.7 (MANE Select); 3 bases into the intron after coding-DNA position 427, G replaced by T.
Molecular consequence: intron variant.
Genome position (GRCh38, 1-based): chr3:177,051,501, C>A on the plus strand (G>T on the coding strand, the complement: TBL1XR1 is on the minus strand). VCF-style: chr3-177051501-C-A. GRCh37 (hg19) VCF-style: chr3-176769289-C-A.
Other names: c.427+3G>T (NM_001374327.1, NM_001321194.3, NM_001321193.3 and 2 more transcripts); c.166+3G>T (NM_001374330.1, NM_001321195.3).
Identifiers: ClinVar variation 5006591 (VCV005006591.2).

ClinVar aggregate classification (germline): Uncertain significance (1 of 4 stars; one submission).

Conditions:
Pierpont syndrome (PRPTS). Identifiers: Orphanet 487825, MedGen C1865644, MONDO:0011213, OMIM 602342.
Intellectual developmental disorder, autosomal dominant 41. Also called: Intellectual disability, autosomal dominant 41. Identifiers: Orphanet 2823, MedGen C4310784, MONDO:0014842, OMIM 616944.

Submission:

Juno Genomics, Hangzhou Juno Genomics, Inc
Classification: Uncertain significance for Intellectual developmental disorder, autosomal dominant 41; Pierpont syndrome. Review status: criteria provided, single submitter. Criteria: ACMG Guidelines, 2015. Collection method: clinical testing. Allele origin: germline.
Comment: Absent from controls (or at extremely low frequency if recessive) in Genome Aggregation Database.